The following is an entry in ClinVar:

NM_001354712.2(THRB):c.357C>T (p.Tyr119=)

Genes: THRB (thyroid hormone receptor beta; minus strand), THRB-AS2 (THRB antisense RNA 2; plus strand). Cytogenetic location: 3p24.2.
Variant type: single nucleotide variant.
Coding change: c.357C>T on transcript NM_001354712.2 (MANE Select); coding-DNA position 357, C replaced by T.
Protein change: p.Tyr119=; no amino-acid change (tyrosine 119 retained).
Molecular consequence: synonymous variant.
Genome position (GRCh38, 1-based): chr3:24,152,417, G>A on the plus strand (C>T on the coding strand, the complement: THRB is on the minus strand). VCF-style: chr3-24152417-G-A. GRCh37 (hg19) VCF-style: chr3-24193908-G-A.
Other names: c.357C>T, p.Tyr119= (NM_000461.5, NM_001128176.3, NM_001128177.2 and 12 more transcripts); c.264C>T, p.Tyr88= (NM_001354714.2, NM_001354715.2).
Identifiers: ClinVar variation 3905716 (VCV003905716.10).

ClinVar aggregate classification (germline): Likely benign (1 of 4 stars; one submission).

Submission:

CeGaT Center for Human Genetics Tuebingen
Classification: Likely benign. Last evaluated: 2025-05-01. Review status: criteria provided, single submitter. Criteria: CeGaT Center For Human Genetics Tuebingen Variant Classification Criteria Version 2. Collection method: clinical testing. Allele origin: germline. Affected: yes. Observed: 1 variant allele.
Comment: THRB: PM2:Supporting, BP4, BP7